The following is an entry in ClinVar:

ClinVar aggregate classification (germline): Conflicting classifications of pathogenicity. Review status: criteria provided, conflicting classifications (1 of 4 stars). 6 submissions from 6 submitters: Uncertain significance (1); Likely benign (4). 1 of the submissions does not count toward it. Last evaluated 2025-09-24.

Conditions:
RAI1-related disorder. Also called: RAI1-related condition.
Inborn genetic diseases. Identifiers: MedGen C0950123, MeSH D030342.

Allele frequency attached by ClinVar (database versions not stated): TOPMed 0.00009; 1000 Genomes Project 30x 0.00016; 1000 Genomes Project 0.00020.
gnomAD v4.1: 127 of 1,611,426 alleles (0.0079%); highest among the groups gnomAD compares: Admixed American, 0.0033%; no homozygotes.

Submissions (6):

Labcorp Genetics (formerly Invitae), Labcorp
Classification: Likely benign. Last evaluated: 2025-09-24. Review status: criteria provided, single submitter. Criteria: Invitae Variant Classification Sherloc (09022015). Collection method: clinical testing. Allele origin: germline.

CeGaT Center for Human Genetics Tuebingen
Classification: Likely benign. Last evaluated: 2025-01-01. Review status: criteria provided, single submitter. Criteria: CeGaT Center For Human Genetics Tuebingen Variant Classification Criteria Version 2. Collection method: clinical testing. Allele origin: germline. Affected: yes. Observed: 1 variant allele.
Comment: RAI1: BP4

Ambry Genetics
Classification: Likely benign for Inborn genetic diseases. Last evaluated: 2018-06-18. Review status: criteria provided, single submitter. Criteria: Ambry Variant Classification Scheme 2023. Collection method: clinical testing. Allele origin: germline.

GeneDx
Classification: Likely benign. Last evaluated: 2017-11-09. Review status: criteria provided, single submitter. Criteria: GeneDx Variant Classification (06012015). Collection method: clinical testing. Allele origin: germline. Affected: yes.
Comment: This variant is considered likely benign or benign based on one or more of the following criteria: it is a conservative change, it occurs at a poorly conserved position in the protein, it is predicted to be benign by multiple in silico algorithms, and/or has population frequency not consistent with disease.

Center for Pediatric Genomic Medicine, Children's Mercy Hospital and Clinics
Classification: Uncertain significance. Last evaluated: 2017-06-02. Review status: criteria provided, single submitter. Criteria: ACMG Guidelines, 2015. Collection method: clinical testing. Allele origin: germline.

PreventionGenetics, part of Exact Sciences
Classification: Likely benign for RAI1-related condition. Last evaluated: 2021-06-23. Review status: no assertion criteria provided. Collection method: clinical testing. Allele origin: germline. Not counted in ClinVar's aggregate classification.
Comment: This variant is classified as likely benign based on ACMG/AMP sequence variant interpretation guidelines (Richards et al. 2015 PMID: 25741868, with internal and published modifications).

NM_030665.4(RAI1):c.1775G>A (p.Arg592Gln)

Gene: RAI1 (retinoic acid induced 1; plus strand). Cytogenetic location: 17p11.2.
Variant type: single nucleotide variant.
Coding change: c.1775G>A on transcript NM_030665.4 (MANE Select); coding-DNA position 1775, G replaced by A.
Protein change: p.Arg592Gln; replaces arginine 592 with glutamine.
Molecular consequence: missense variant.
Genome position (GRCh38, 1-based): chr17:17,794,723, G>A. VCF-style: chr17-17794723-G-A. GRCh37 (hg19) VCF-style: chr17-17698037-G-A.
Other names: short protein forms R592Q.
Identifiers: ClinVar variation 445587 (VCV000445587.27), dbSNP rs141808855, ClinGen allele CA8418399.